The following is an entry in ClinVar:

ClinVar aggregate classification (germline): Likely pathogenic (1 of 4 stars; one submission).

Conditions:
Syndromic X-linked intellectual disability Najm type (MICPCH). Also called: Mental retardation and microcephaly with pontine and cerebellar hypoplasia; MENTAL RETARDATION, X-LINKED, SYNDROMIC, NAJM TYPE; Intellectual Disability and Microcephaly with Pontine and Cerebellar Hypoplasia (MICPCH); Intellectual Disability and Microcephaly with Pontine and Cerebellar Hypoplasia; MICPCH SYNDROME; Intellectual developmental disorder and microcephaly with pontine and cerebellar hypoplasia. Identifiers: Orphanet 163937, MedGen C2677903, MONDO:0010417, OMIM 300749.

Submission:

3billion
Classification: Likely pathogenic for Syndromic X-linked intellectual disability Najm type. Last evaluated: 2023-02-23. Review status: criteria provided, single submitter. Criteria: ACMG Guidelines, 2015. Collection method: clinical testing. Allele origin: unknown. Affected: yes.
Comment: The variant is not observed in the gnomAD v2.1.1 dataset. This variant was predicted to alter splicing and result in a loss or disruption of normal protein function. Multiple pathogenic loss-of-function variants are reported downstream of the variant. Therefore, this variant is classified as Likely pathogenic according to the recommendation of ACMG/AMP guideline.

NM_001367721.1(CASK):c.1583-1G>T

Gene: CASK (calcium/calmodulin dependent serine protein kinase; minus strand). Cytogenetic location: Xp11.4.
Variant type: single nucleotide variant.
Coding change: c.1583-1G>T on transcript NM_001367721.1 (MANE Select); the canonical splice acceptor site of the intron before coding-DNA position 1583, G replaced by T.
Molecular consequence: splice acceptor variant.
Genome position (GRCh38, 1-based): chrX:41,561,645, C>A on the plus strand (G>T on the coding strand, the complement: CASK is on the minus strand). VCF-style: chrX-41561645-C-A. GRCh37 (hg19) VCF-style: chrX-41420898-C-A.
Other names: c.1565-1G>T (NM_001126055.3, NM_001410745.1); c.1583-1G>T (NM_001126054.3, NM_003688.4).
Identifiers: ClinVar variation 2444343 (VCV002444343.1), dbSNP rs2519773053, ClinGen allele CA412995074.